The following is an entry in ClinVar:

NM_004431.5(EPHA2):c.1621G>A (p.Val541Met)

Gene: EPHA2 (EPH receptor A2; minus strand). Cytogenetic location: 1p36.13.
Variant type: single nucleotide variant.
Coding change: c.1621G>A on transcript NM_004431.5 (MANE Select); coding-DNA position 1621, G replaced by A.
Protein change: p.Val541Met; replaces valine 541 with methionine.
Molecular consequence: missense variant.
Genome position (GRCh38, 1-based): chr1:16,134,529, C>T on the plus strand (G>A on the coding strand, the complement: EPHA2 is on the minus strand). VCF-style: chr1-16134529-C-T. GRCh37 (hg19) VCF-style: chr1-16461024-C-T.
Other names: c.1459G>A, p.Val487Met (NM_001329090.2); short protein forms V541M, V487M.
Identifiers: ClinVar variation 293426 (VCV000293426.18), dbSNP rs61731097, ClinGen allele CA625107.

ClinVar aggregate classification (germline): Benign/Likely benign. Review status: criteria provided, multiple submitters, no conflicts (2 of 4 stars). 4 submissions from 4 submitters: Benign (2); Likely benign (2). Last evaluated 2026-01-25.

Conditions:
Cataract 6 multiple types. Also called: CATARACT, AGE-RELATED CORTICAL, 2; CATARACT 6, POSTERIOR POLAR; CATARACT 6, CONGENITAL TOTAL. Identifiers: Orphanet 91492, MedGen C1861825, MONDO:0007288, OMIM 116600.

Allele frequency attached by ClinVar (database versions not stated): gnomAD exomes 0.00182; ExAC 0.00235; gnomAD 0.00728 and 0.00776; ESP Exome Variant Server 0.00792; TOPMed 0.00849; 1000 Genomes Project 0.00879; 1000 Genomes Project 30x 0.00984.
gnomAD v4.1: 2,158 of 1,614,116 alleles (0.13%); highest among the groups gnomAD compares: African/African-American, 2.6%; 22 homozygotes.

Submissions (4):

Labcorp Genetics (formerly Invitae), Labcorp
Classification: Benign for Cataract 6 multiple types. Last evaluated: 2026-01-25. Review status: criteria provided, single submitter. Criteria: Invitae Variant Classification Sherloc (09022015). Collection method: clinical testing. Allele origin: germline.

GeneDx
Classification: Likely benign. Last evaluated: 2021-06-22. Review status: criteria provided, single submitter. Criteria: GeneDx Variant Classification Process June 2021. Collection method: clinical testing. Allele origin: germline. Affected: yes.

Illumina Laboratory Services, Illumina
Classification: Benign for Cataract 6 multiple types. Last evaluated: 2018-01-13. Review status: criteria provided, single submitter. Criteria: ICSL Variant Classification Criteria 13 December 2019. Collection method: clinical testing. Allele origin: germline.
Comment: This variant was observed in the ICSL laboratory as part of a predisposition screen in an ostensibly healthy population. It had not been previously curated by ICSL or reported in the Human Gene Mutation Database (HGMD: prior to June 1st, 2018), and was therefore a candidate for classification through an automated scoring system. Utilizing variant allele frequency, disease prevalence and penetrance estimates, and inheritance mode, an automated score was calculated to assess if this variant is too frequent to cause the disease. Based on the score and internal cut-off values, a variant classified as benign is not then subjected to further curation. The score for this variant resulted in a classification of benign for this disease.

Breakthrough Genomics
Classification: Likely benign. Review status: criteria provided, single submitter. Criteria: ACMG Guidelines, 2015. Collection method: not provided. Allele origin: germline. Inheritance: Autosomal dominant inheritance. Affected: yes.